The following is an entry in ClinVar:

NM_004006.3(DMD):c.1033C>G (p.Gln345Glu)

Gene: DMD (dystrophin; minus strand). Cytogenetic location: Xp21.1.
Variant type: single nucleotide variant.
Coding change: c.1033C>G on transcript NM_004006.3 (MANE Select); coding-DNA position 1033, C replaced by G.
Protein change: p.Gln345Glu; replaces glutamine 345 with glutamic acid.
Molecular consequence: missense variant.
Genome position (GRCh38, 1-based): chrX:32,645,080, G>C on the plus strand (C>G on the coding strand, the complement: DMD is on the minus strand). VCF-style: chrX-32645080-G-C. GRCh37 (hg19) VCF-style: chrX-32663197-G-C.
Other names: c.1009C>G, p.Gln337Glu (NM_000109.4); c.1021C>G, p.Gln341Glu (NM_004009.3); c.664C>G, p.Gln222Glu (NM_004010.3); short protein forms Q222E, Q337E, Q341E, Q345E.
Identifiers: ClinVar variation 4800991 (VCV004800991.1).

ClinVar aggregate classification (germline): Uncertain significance (1 of 4 stars; one submission).

Conditions:
Duchenne muscular dystrophy (DMD). Also called: Duchenne Muscular Dystrophy (DMD); MUSCULAR DYSTROPHY, PSEUDOHYPERTROPHIC PROGRESSIVE, DUCHENNE TYPE. Identifiers: Orphanet 98896, MedGen C0013264, MONDO:0010679, OMIM 310200.

Submission:

Labcorp Genetics (formerly Invitae), Labcorp
Classification: Uncertain significance for Duchenne muscular dystrophy. Last evaluated: 2025-11-18. Review status: criteria provided, single submitter. Criteria: Invitae Variant Classification Sherloc (09022015). Collection method: clinical testing. Allele origin: germline.
Comment: This sequence change replaces glutamine, which is neutral and polar, with glutamic acid, which is acidic and polar, at codon 345 of the DMD protein (p.Gln345Glu). This variant is not present in population databases (gnomAD no frequency). This variant has not been reported in the literature in individuals affected with DMD-related conditions. Invitae Evidence Modeling of protein sequence and biophysical properties (such as structural, functional, and spatial information, amino acid conservation, physicochemical variation, residue mobility, and thermodynamic stability) indicates that this missense variant is not expected to disrupt DMD protein function with a negative predictive value of 95%. In summary, the available evidence is currently insufficient to determine the role of this variant in disease. Therefore, it has been classified as a Variant of Uncertain Significance.